The following is an entry in ClinVar:

ClinVar aggregate classification (germline): Uncertain significance. Review status: criteria provided, multiple submitters, no conflicts (2 of 4 stars). 3 submissions from 3 submitters: Uncertain significance (3). Last evaluated 2026-06-01.

Conditions:
Charcot-Marie-Tooth disease axonal type 2O. Also called: Charcot-Marie-Tooth disease, axonal, type 20; CHARCOT-MARIE-TOOTH NEUROPATHY, AXONAL, TYPE 2O; CHARCOT-MARIE-TOOTH DISEASE, AXONAL, AUTOSOMAL DOMINANT, TYPE 2O; Charcot-Marie-Tooth Neuropathy Type 2O. Identifiers: Orphanet 284232, MedGen C3280220, MONDO:0013644, OMIM 614228.

Submissions (3):

CeGaT Center for Human Genetics Tuebingen
Classification: Uncertain significance. Last evaluated: 2026-06-01. Review status: criteria provided, single submitter. Criteria: CeGaT Center For Human Genetics Tuebingen Variant Classification Criteria Version 2. Collection method: clinical testing. Allele origin: germline. Affected: yes. Observed: 2 variant alleles.
Comment: DYNC1H1: PM2

Labcorp Genetics (formerly Invitae), Labcorp
Classification: Uncertain significance for Charcot-Marie-Tooth disease axonal type 2O. Last evaluated: 2023-04-22. Review status: criteria provided, single submitter. Criteria: Invitae Variant Classification Sherloc (09022015). Collection method: clinical testing. Allele origin: germline.
Comment: In summary, the available evidence is currently insufficient to determine the role of this variant in disease. Therefore, it has been classified as a Variant of Uncertain Significance. Algorithms developed to predict the effect of sequence changes on RNA splicing suggest that this variant may create or strengthen a splice site. Advanced modeling of protein sequence and biophysical properties (such as structural, functional, and spatial information, amino acid conservation, physicochemical variation, residue mobility, and thermodynamic stability) performed at Invitae indicates that this missense variant is not expected to disrupt DYNC1H1 protein function. ClinVar contains an entry for this variant (Variation ID: 2144355). This variant has not been reported in the literature in individuals affected with DYNC1H1-related conditions. This variant is not present in population databases (gnomAD no frequency). This sequence change replaces leucine, which is neutral and non-polar, with phenylalanine, which is neutral and non-polar, at codon 4409 of the DYNC1H1 protein (p.Leu4409Phe).

GeneDx
Classification: Uncertain significance. Last evaluated: 2022-10-31. Review status: criteria provided, single submitter. Criteria: GeneDx Variant Classification Process June 2021. Collection method: clinical testing. Allele origin: germline. Affected: yes.
Comment: Not observed at significant frequency in large population cohorts (gnomAD); In silico analysis supports that this missense variant has a deleterious effect on protein structure/function; Has not been previously published as pathogenic or benign to our knowledge; In silico analysis suggests this variant may impact gene splicing. In the absence of RNA/functional studies, the actual effect of this sequence change is unknown.; This variant is associated with the following publications: (PMID: 26100331, 25609763, 25512093)

NM_001376.5(DYNC1H1):c.13227G>T (p.Leu4409Phe)

Gene: DYNC1H1 (dynein cytoplasmic 1 heavy chain 1; plus strand). Cytogenetic location: 14q32.31.
Variant type: single nucleotide variant.
Coding change: c.13227G>T on transcript NM_001376.5 (MANE Select); coding-DNA position 13227, G replaced by T.
Protein change: p.Leu4409Phe; replaces leucine 4409 with phenylalanine.
Molecular consequence: missense variant.
Genome position (GRCh38, 1-based): chr14:102,048,524, G>T. VCF-style: chr14-102048524-G-T. GRCh37 (hg19) VCF-style: chr14-102514861-G-T.
Other names: short protein forms L4409F.
Identifiers: ClinVar variation 2144355 (VCV002144355.9), dbSNP rs1043396684, ClinGen allele CA391047718.